The following is an entry in ClinVar:

NM_006445.4(PRPF8):c.2200C>T (p.Pro734Ser)

Gene: PRPF8 (pre-mRNA processing factor 8; minus strand). Cytogenetic location: 17p13.3.
Variant type: single nucleotide variant.
Coding change: c.2200C>T on transcript NM_006445.4 (MANE Select); coding-DNA position 2200, C replaced by T.
Protein change: p.Pro734Ser; replaces proline 734 with serine.
Molecular consequence: missense variant.
Genome position (GRCh38, 1-based): chr17:1,676,693, G>A on the plus strand (C>T on the coding strand, the complement: PRPF8 is on the minus strand). VCF-style: chr17-1676693-G-A. GRCh37 (hg19) VCF-style: chr17-1579987-G-A.
Other names: short protein forms P734S.
Identifiers: ClinVar variation 1366730 (VCV001366730.8), dbSNP rs1424625471, ClinGen allele CA397553870.

ClinVar aggregate classification (germline): Uncertain significance (1 of 4 stars; one submission).

Allele frequency attached by ClinVar (database versions not stated): gnomAD exomes below 0.00001; gnomAD 0.00001.

Submission:

Labcorp Genetics (formerly Invitae), Labcorp
Classification: Uncertain significance. Last evaluated: 2022-06-27. Review status: criteria provided, single submitter. Criteria: Invitae Variant Classification Sherloc (09022015). Collection method: clinical testing. Allele origin: germline.
Comment: This sequence change replaces proline, which is neutral and non-polar, with serine, which is neutral and polar, at codon 734 of the PRPF8 protein (p.Pro734Ser). In summary, the available evidence is currently insufficient to determine the role of this variant in disease. Therefore, it has been classified as a Variant of Uncertain Significance. Algorithms developed to predict the effect of missense changes on protein structure and function are either unavailable or do not agree on the potential impact of this missense change (SIFT: "Deleterious"; PolyPhen-2: "Possibly Damaging"; Align-GVGD: "Class C0"). This variant has not been reported in the literature in individuals affected with PRPF8-related conditions. This variant is present in population databases (no rsID available, gnomAD 0.01%).